The following is an entry in ClinVar:

NM_001966.4(EHHADH):c.2066T>C (p.Ile689Thr)

Gene: EHHADH (enoyl-CoA hydratase and 3-hydroxyacyl CoA dehydrogenase; minus strand). Cytogenetic location: 3q27.2.
Variant type: single nucleotide variant.
Coding change: c.2066T>C on transcript NM_001966.4 (MANE Select); coding-DNA position 2066, T replaced by C.
Protein change: p.Ile689Thr; replaces isoleucine 689 with threonine.
Molecular consequence: missense variant.
Genome position (GRCh38, 1-based): chr3:185,192,332, A>G on the plus strand (T>C on the coding strand, the complement: EHHADH is on the minus strand). VCF-style: chr3-185192332-A-G. GRCh37 (hg19) VCF-style: chr3-184910120-A-G.
Other names: p.Ile689Thr; c.1778T>C, p.Ile593Thr (NM_001166415.2); short protein forms I593T, I689T.
Identifiers: ClinVar variation 712442 (VCV000712442.6), dbSNP rs114925063, ClinGen allele CA2738863.

ClinVar aggregate classification (germline): Benign. Review status: criteria provided, multiple submitters, no conflicts (2 of 4 stars). 3 submissions from 3 submitters: Benign (3). Last evaluated 2022-08-24.

Allele frequency attached by ClinVar (database versions not stated): gnomAD exomes 0.00045 and 0.00124; gnomAD 0.00470 and 0.00503; ESP Exome Variant Server 0.00523; TOPMed 0.00546; 1000 Genomes Project 0.00559; ExAC 0.00148; 1000 Genomes Project 30x 0.00578.
gnomAD v4.1: 1,399 of 1,614,152 alleles (0.087%); highest among the groups gnomAD compares: African/African-American, 1.7%; 17 homozygotes.

Submissions (3):

Mayo Clinic Laboratories, Mayo Clinic
Classification: Benign. Last evaluated: 2022-08-24. Review status: criteria provided, single submitter. Criteria: ACMG Guidelines, 2015. Collection method: clinical testing. Allele origin: germline. Observed: 5 variant alleles.
Comment: BS1, BS2

Labcorp Genetics (formerly Invitae), Labcorp
Classification: Benign. Last evaluated: 2019-12-31. Review status: criteria provided, single submitter. Criteria: Invitae Variant Classification Sherloc (09022015). Collection method: clinical testing. Allele origin: germline.

Breakthrough Genomics
Classification: Benign. Review status: criteria provided, single submitter. Criteria: ACMG Guidelines, 2015. Collection method: not provided. Allele origin: germline. Inheritance: Autosomal dominant inheritance. Affected: yes.